The following is an entry in ClinVar:

ClinVar aggregate classification (germline): Uncertain significance (1 of 4 stars; one submission).

Conditions:
Hepatic veno-occlusive disease-immunodeficiency syndrome. Also called: Hepatic Veno-Occlusive Disease with Immunodeficiency. Identifiers: Orphanet 79124, MedGen C1856128, MONDO:0009338, OMIM 235550. Disease mechanism: loss of function.

Allele frequency attached by ClinVar (database versions not stated): gnomAD exomes below 0.00001.
gnomAD v4.1: 1 of 1,610,774 alleles (0.000062%); highest among the groups gnomAD compares: Non-Finnish European, 0.000085%; no homozygotes.

Submission:

Labcorp Genetics (formerly Invitae), Labcorp
Classification: Uncertain significance for Hepatic veno-occlusive disease-immunodeficiency syndrome. Last evaluated: 2023-02-24. Review status: criteria provided, single submitter. Criteria: Invitae Variant Classification Sherloc (09022015). Collection method: clinical testing. Allele origin: germline.
Comment: ClinVar contains an entry for this variant (Variation ID: 1985189). This variant has not been reported in the literature in individuals affected with SP110-related conditions. This variant is not present in population databases (gnomAD no frequency). This sequence change replaces valine, which is neutral and non-polar, with alanine, which is neutral and non-polar, at codon 221 of the SP110 protein (p.Val221Ala). Algorithms developed to predict the effect of missense changes on protein structure and function output the following: SIFT: "Not Available"; PolyPhen-2: "Benign"; Align-GVGD: "Not Available". The alanine amino acid residue is found in multiple mammalian species, which suggests that this missense change does not adversely affect protein function. In summary, the available evidence is currently insufficient to determine the role of this variant in disease. Therefore, it has been classified as a Variant of Uncertain Significance.

NM_080424.4(SP110):c.662T>C (p.Val221Ala)

Genes: SP140 (SP140 nuclear body protein; plus strand), SP110 (SP110 nuclear body protein; minus strand). Cytogenetic location: 2q37.1.
Variant type: single nucleotide variant.
Coding change: c.662T>C on transcript NM_080424.4 (MANE Select); coding-DNA position 662, T replaced by C.
Protein change: p.Val221Ala; replaces valine 221 with alanine.
Molecular consequence: missense variant.
Genome position (GRCh38, 1-based): chr2:230,212,352, A>G on the plus strand (T>C on the coding strand, the complement: SP110 is on the minus strand). VCF-style: chr2-230212352-A-G. GRCh37 (hg19) VCF-style: chr2-231077067-A-G.
Other names: c.680T>C, p.Val227Ala (NM_001185015.2, NM_001378442.1, NM_001378444.1 and 2 more transcripts); c.662T>C, p.Val221Ala (NM_001378443.1, NM_001378447.1, NM_004509.5 and 1 more transcripts); short protein forms V227A, V221A.
Identifiers: ClinVar variation 1985189 (VCV001985189.4), dbSNP rs2470013401, ClinGen allele CA350915640.